The following is an entry in ClinVar:

ClinVar aggregate classification (germline): Uncertain significance. Review status: criteria provided, multiple submitters, no conflicts (2 of 4 stars). 4 submissions from 4 submitters: Uncertain significance (3). 1 of the submissions does not count toward it. Last evaluated 2025-03-18.

Conditions:
Inborn genetic diseases. Identifiers: MedGen C0950123, MeSH D030342.
Leber congenital amaurosis 5 (LCA5). Also called: Amaurosis congenita of Leber, type 5. Identifiers: Orphanet 65, MedGen C1858301, MONDO:0011473, OMIM 604537.

Allele frequency attached by ClinVar (database versions not stated): gnomAD exomes 0.00001 and 0.00002; TOPMed 0.00002.
gnomAD v4.1: 11 of 1,613,964 alleles (0.00068%); highest among the groups gnomAD compares: Admixed American, 0.0083%; no homozygotes.

Submissions (4):

Ambry Genetics
Classification: Uncertain significance for Inborn genetic diseases. Last evaluated: 2025-03-18. Review status: criteria provided, single submitter. Criteria: Ambry Variant Classification Scheme 2023. Collection method: clinical testing. Allele origin: germline.

Labcorp Genetics (formerly Invitae), Labcorp
Classification: Uncertain significance. Last evaluated: 2022-10-13. Review status: criteria provided, single submitter. Criteria: Invitae Variant Classification Sherloc (09022015). Collection method: clinical testing. Allele origin: germline.
Comment: This sequence change replaces asparagine, which is neutral and polar, with serine, which is neutral and polar, at codon 166 of the LCA5 protein (p.Asn166Ser). This variant is present in population databases (no rsID available, gnomAD 0.006%). This variant has not been reported in the literature in individuals affected with LCA5-related conditions. ClinVar contains an entry for this variant (Variation ID: 958312). Algorithms developed to predict the effect of missense changes on protein structure and function output the following: SIFT: "Tolerated"; PolyPhen-2: "Possibly Damaging"; Align-GVGD: "Class C0". The serine amino acid residue is found in multiple mammalian species, which suggests that this missense change does not adversely affect protein function. In summary, the available evidence is currently insufficient to determine the role of this variant in disease. Therefore, it has been classified as a Variant of Uncertain Significance.

Fulgent Genetics
Classification: Uncertain significance for Leber congenital amaurosis 5. Last evaluated: 2021-08-09. Review status: criteria provided, single submitter. Criteria: ACMG Guidelines, 2015. Collection method: clinical testing. Allele origin: unknown.

Natera, Inc.
Classification: Uncertain significance for Leber congenital amaurosis type 5. Last evaluated: 2020-01-24. Review status: no assertion criteria provided. Collection method: clinical testing. Allele origin: germline. Not counted in ClinVar's aggregate classification.

NM_001122769.3(LCA5):c.497A>G (p.Asn166Ser)

Gene: LCA5 (lebercilin LCA5; minus strand). Cytogenetic location: 6q14.1.
Variant type: single nucleotide variant.
Coding change: c.497A>G on transcript NM_001122769.3 (MANE Select); coding-DNA position 497, A replaced by G.
Protein change: p.Asn166Ser; replaces asparagine 166 with serine.
Molecular consequence: missense variant.
Genome position (GRCh38, 1-based): chr6:79,513,435, T>C on the plus strand (A>G on the coding strand, the complement: LCA5 is on the minus strand). VCF-style: chr6-79513435-T-C. GRCh37 (hg19) VCF-style: chr6-80223152-T-C.
Other names: c.497A>G, p.Asn166Ser (NM_181714.4); short protein forms N166S.
Identifiers: ClinVar variation 958312 (VCV000958312.6), dbSNP rs1006764386, ClinGen allele CA141844621.